The following is an entry in ClinVar:

ClinVar aggregate classification (germline): Uncertain significance (1 of 4 stars; one submission).

Conditions:
Hereditary spastic paraplegia 64. Also called: ENTPD1-Related Neurodevelopmental Disorder; Spastic paraplegia 64, autosomal recessive. Identifiers: Orphanet 401810, MedGen C3810289, MONDO:0014303, OMIM 615683.

Allele frequency attached by ClinVar (database versions not stated): TOPMed 0.00001; ExAC 0.00002; gnomAD 0.00002; ESP Exome Variant Server 0.00008.
gnomAD v4.1: 6 of 1,614,040 alleles (0.00037%); highest among the groups gnomAD compares: African/African-American, 0.0027%; no homozygotes.

Submission:

Labcorp Genetics (formerly Invitae), Labcorp
Classification: Uncertain significance for Hereditary spastic paraplegia 64. Last evaluated: 2022-05-23. Review status: criteria provided, single submitter. Criteria: Invitae Variant Classification Sherloc (09022015). Collection method: clinical testing. Allele origin: germline.
Comment: In summary, the available evidence is currently insufficient to determine the role of this variant in disease. Therefore, it has been classified as a Variant of Uncertain Significance. Algorithms developed to predict the effect of missense changes on protein structure and function are either unavailable or do not agree on the potential impact of this missense change (SIFT: "Deleterious"; PolyPhen-2: "Benign"; Align-GVGD: "Class C45"). This variant has not been reported in the literature in individuals affected with ENTPD1-related conditions. This variant is present in population databases (rs370876470, gnomAD 0.002%). This sequence change replaces asparagine, which is neutral and polar, with serine, which is neutral and polar, at codon 346 of the ENTPD1 protein (p.Asn346Ser).

NM_001776.6(ENTPD1):c.1037A>G (p.Asn346Ser)

Genes: ENTPD1 (ectonucleoside triphosphate diphosphohydrolase 1; plus strand), ENTPD1-AS1 (ENTPD1 antisense RNA 1; minus strand). Cytogenetic location: 10q24.1.
Variant type: single nucleotide variant.
Coding change: c.1037A>G on transcript NM_001776.6 (MANE Select); coding-DNA position 1037, A replaced by G.
Protein change: p.Asn346Ser; replaces asparagine 346 with serine.
Molecular consequence: missense variant.
Genome position (GRCh38, 1-based): chr10:95,847,669, A>G. VCF-style: chr10-95847669-A-G. GRCh37 (hg19) VCF-style: chr10-97607426-A-G.
Other names: c.1058A>G, p.Asn353Ser (NM_001098175.2); c.1073A>G, p.Asn358Ser (NM_001164178.1, NM_001320916.1); c.914A>G, p.Asn305Ser (NM_001164179.2); c.713A>G, p.Asn238Ser (NM_001164181.1, NM_001312654.1); c.623A>G, p.Asn208Ser (NM_001164182.2, NM_001164183.2); short protein forms N208S, N238S, N305S, N358S, N353S, N346S.
Identifiers: ClinVar variation 1956673 (VCV001956673.5), dbSNP rs370876470, ClinGen allele CA5621518.